The following is an entry in ClinVar:

ClinVar aggregate classification (germline): Conflicting classifications of pathogenicity. Review status: criteria provided, conflicting classifications (1 of 4 stars). 8 submissions from 8 submitters: Uncertain significance (1); Benign (6). 1 of the submissions does not count toward it. Last evaluated 2026-02-02.

Conditions:
Epilepsy, childhood absence 4 (ECA4). Also called: EPILEPSY, CHILDHOOD ABSENCE, SUSCEPTIBILITY TO, 4. Identifiers: Orphanet 307, MedGen C1970160.
Idiopathic generalized epilepsy. Also called: Generalised epilepsy; EIG. Identifiers: MedGen C0270850, MONDO:0005579, OMIM 600669.
Epilepsy, idiopathic generalized, susceptibility to, 13. Also called: EPILEPSY, JUVENILE MYOCLONIC, SUSCEPTIBILITY TO, 5. Identifiers: Orphanet 307, Orphanet 64280, MedGen C4013473, MONDO:0012627, OMIM 611136.
Inborn genetic diseases. Identifiers: MedGen C0950123, MeSH D030342.

Allele frequency attached by ClinVar (database versions not stated): gnomAD 0.00988 and 0.01067; 1000 Genomes Project 30x 0.01077; gnomAD exomes 0.00255 and 0.00094; 1000 Genomes Project 0.01058; ESP Exome Variant Server 0.01130; ExAC 0.00320; TOPMed 0.01077.
gnomAD v4.1: 2,920 of 1,603,334 alleles (0.18%); highest among the groups gnomAD compares: African/African-American, 3.3%; 41 homozygotes.

Submissions (8):

Labcorp Genetics (formerly Invitae), Labcorp
Classification: Benign for Epilepsy, childhood absence 4; Epilepsy, idiopathic generalized, susceptibility to, 13; Idiopathic generalized epilepsy. Last evaluated: 2026-02-02. Review status: criteria provided, single submitter. Criteria: Invitae Variant Classification Sherloc (09022015). Collection method: clinical testing. Allele origin: germline.

Mayo Clinic Laboratories, Mayo Clinic
Classification: Benign. Last evaluated: 2019-01-07. Review status: criteria provided, single submitter. Criteria: ACMG Guidelines, 2015. Collection method: clinical testing. Allele origin: germline. Observed: 10 variant alleles.

Athena Diagnostics
Classification: Benign. Last evaluated: 2018-05-23. Review status: criteria provided, single submitter. Criteria: Athena Diagnostics Criteria. Collection method: clinical testing. Allele origin: germline.

Illumina Laboratory Services, Illumina
Classification: Uncertain significance for Epilepsy, idiopathic generalized, susceptibility to, 13. Last evaluated: 2018-01-12. Review status: criteria provided, single submitter. Criteria: ICSL Variant Classification Criteria 13 December 2019. Collection method: clinical testing. Allele origin: germline.

Ambry Genetics
Classification: Benign for Inborn genetic diseases. Last evaluated: 2016-03-21. Review status: criteria provided, single submitter. Criteria: Ambry Variant Classification Scheme 2023. Collection method: clinical testing. Allele origin: germline.

GeneDx
Classification: Benign. Last evaluated: 2015-03-03. Review status: criteria provided, single submitter. Criteria: GeneDx Variant Classification Process June 2021. Collection method: clinical testing. Allele origin: germline. Affected: yes.

PreventionGenetics, part of Exact Sciences
Classification: Benign. Review status: criteria provided, single submitter. Criteria: ACMG Guidelines, 2015. Collection method: clinical testing. Allele origin: germline.

Genetic Services Laboratory, University of Chicago
Classification: Likely benign for AllHighlyPenetrant. Review status: no assertion criteria provided. Collection method: clinical testing. Allele origin: germline. Inheritance: Autosomal dominant inheritance. Not counted in ClinVar's aggregate classification.
Comment: Likely benign based on allele frequency in 1000 Genomes Project or ESP global frequency and its presence in a patient with a rare or unrelated disease phenotype. NOT Sanger confirmed.

Literature cited by the submitters: PubMed 16530959 (cited by Athena Diagnostics).

NM_001127644.2(GABRA1):c.96A>G (p.Gln32=)

Gene: GABRA1 (gamma-aminobutyric acid type A receptor subunit alpha1; plus strand). Cytogenetic location: 5q34.
Variant type: single nucleotide variant.
Coding change: c.96A>G on transcript NM_001127644.2 (MANE Select); coding-DNA position 96, A replaced by G.
Protein change: p.Gln32=; no amino-acid change (glutamine 32 retained).
Molecular consequence: synonymous variant.
Genome position (GRCh38, 1-based): chr5:161,854,179, A>G. VCF-style: chr5-161854179-A-G. GRCh37 (hg19) VCF-style: chr5-161281185-A-G.
Other names: p.Gln32=; c.96A>G, p.Gln32= (NM_000806.5, NM_001127643.2, NM_001127645.2 and 1 more transcripts).
Identifiers: ClinVar variation 129125 (VCV000129125.27), dbSNP rs76224028, ClinGen allele CA152926.
Genomic context (GRCh38, chr5:161,854,179, plus strand): 5'-TATAATTTAGCTATTGCTTCTCTTTATGTTTTTTTTCAGCTATGGACAGCCGTCATTACA[A>G]GATGAACTTAAAGACAATACCACTGTCTTCACCAGGATTTTGGACAGACTCCTAGATGGT-3'
Protein context (NP_001121116.1, residues 22-42): TGRSYGQPSL[Gln32=]DELKDNTTVF